The following is an entry in ClinVar:

ClinVar aggregate classification (germline): Likely benign. Review status: criteria provided, multiple submitters, no conflicts (2 of 4 stars). 2 submissions from 2 submitters: Likely benign (2). Last evaluated 2025-03-21.

Conditions:
Familial cold autoinflammatory syndrome 3 (FCAS3). Also called: FAMILIAL ATYPICAL COLD URTICARIA; ANTIBODY DEFICIENCY AND IMMUNE DYSREGULATION, PLCG2-ASSOCIATED. Identifiers: Orphanet 300359, MedGen C3280914, MONDO:0013766, OMIM 614468.

Allele frequency attached by ClinVar (database versions not stated): ExAC 0.00001; TOPMed 0.00001.
gnomAD v4.1: 20 of 1,614,034 alleles (0.0012%); highest among the groups gnomAD compares: Non-Finnish European, 0.0015%; no homozygotes.

Submissions (2):

Mayo Clinic Laboratories, Mayo Clinic
Classification: Likely benign. Last evaluated: 2025-03-21. Review status: criteria provided, single submitter. Criteria: ACMG Guidelines, 2015. Collection method: clinical testing. Allele origin: germline. Observed: 1 variant allele.
Comment: BP4, BP7

Labcorp Genetics (formerly Invitae), Labcorp
Classification: Likely benign for Familial cold autoinflammatory syndrome 3. Last evaluated: 2020-11-03. Review status: criteria provided, single submitter. Criteria: Invitae Variant Classification Sherloc (09022015). Collection method: clinical testing. Allele origin: germline.

NM_002661.5(PLCG2):c.78G>C (p.Thr26=)

Gene: PLCG2 (phospholipase C gamma 2; plus strand). Cytogenetic location: 16q23.3.
Variant type: single nucleotide variant.
Coding change: c.78G>C on transcript NM_002661.5 (MANE Select); coding-DNA position 78, G replaced by C.
Protein change: p.Thr26=; no amino-acid change (threonine 26 retained).
Molecular consequence: synonymous variant.
Genome position (GRCh38, 1-based): chr16:81,786,067, G>C. VCF-style: chr16-81786067-G-C. GRCh37 (hg19) VCF-style: chr16-81819672-G-C.
Other names: p.Thr26=.
Identifiers: ClinVar variation 1647766 (VCV001647766.9), dbSNP rs749437141, ClinGen allele CA8193018.
Genomic context (GRCh38, chr16:81,786,067, plus strand): 5'-TGTAGATTCCCTTGCGGAATATGAGAAGAGCCAGATCAAGAGAGCCCTGGAGCTGGGGAC[G>C]GTGATGACTGTGTTCAGCTTCCGCAAGTCCACCCCCGAGCGGAGAACCGTCCAGGTGATC-3'
Protein context (NP_002652.2, residues 16-36): SQIKRALELG[Thr26=]VMTVFSFRKS